The following is an entry in ClinVar:

NM_005502.4(ABCA1):c.1390G>A (p.Val464Met)

Gene: ABCA1 (ATP binding cassette subfamily A member 1; minus strand). Cytogenetic location: 9q31.1.
Variant type: single nucleotide variant.
Coding change: c.1390G>A on transcript NM_005502.4 (MANE Select); coding-DNA position 1390, G replaced by A.
Protein change: p.Val464Met; replaces valine 464 with methionine.
Molecular consequence: missense variant.
Genome position (GRCh38, 1-based): chr9:104,832,693, C>T on the plus strand (G>A on the coding strand, the complement: ABCA1 is on the minus strand). VCF-style: chr9-104832693-C-T. GRCh37 (hg19) VCF-style: chr9-107594974-C-T.
Other names: c.1390G>A (NM_005502.3); short protein forms V464M.
Identifiers: ClinVar variation 1402805 (VCV001402805.9), dbSNP rs563149622, ClinGen allele CA5169028.
Genomic context (GRCh38, chr9:104,832,693, plus strand): 5'-AGGTGTACACAGAACCATTACTGGACTGGACATCCTCTGGGTGCTTGGCCAAAAACGCCA[C>T]GATGTCTTGGGCTGTCCAATCTAAGCCATCCAACTGCTGTTCCCAAAAGTGGTCATTGTC-3'
Protein context (NP_005493.2, residues 454-474): DGLDWTAQDI[Val464Met]AFLAKHPEDV

ClinVar aggregate classification (germline): Conflicting classifications of pathogenicity. Review status: criteria provided, conflicting classifications (1 of 4 stars). 4 submissions from 4 submitters: Uncertain significance (3); Likely benign (1). Last evaluated 2025-09-03.

Conditions:
Hypoalphalipoproteinemia, primary, 1. Identifiers: Orphanet 425, MedGen C5231558, MONDO:0011393, OMIM 604091.
Tangier disease (TGD). Also called: Cholesterol thesaurismosis; HIGH DENSITY LIPOPROTEIN DEFICIENCY, TANGIER TYPE; HIGH DENSITY LIPOPROTEIN DEFICIENCY, TYPE 1. Identifiers: Orphanet 31150, MedGen C0039292, MONDO:0008783, OMIM 205400.
Cardiovascular phenotype. Identifiers: MedGen CN230736.

Allele frequency attached by ClinVar (database versions not stated): gnomAD 0.00008 and 0.00009; ExAC 0.00009; TOPMed 0.00009; 1000 Genomes Project 0.00040; 1000 Genomes Project 30x 0.00047.

Submissions (4):

Labcorp Genetics (formerly Invitae), Labcorp
Classification: Likely benign. Last evaluated: 2025-09-03. Review status: criteria provided, single submitter. Criteria: Invitae Variant Classification Sherloc (09022015). Collection method: clinical testing. Allele origin: germline.

Ambry Genetics
Classification: Uncertain significance for Cardiovascular phenotype. Last evaluated: 2025-01-21. Review status: criteria provided, single submitter. Criteria: Ambry Variant Classification Scheme 2023. Collection method: clinical testing. Allele origin: germline.

Blueprint Genetics
Classification: Uncertain significance. Last evaluated: 2024-02-22. Review status: criteria provided, single submitter. Criteria: ACMG Guidelines, 2015. Collection method: clinical testing. Allele origin: germline.

New York Genome Center
Classification: Uncertain significance for Hypoalphalipoproteinemia, primary, 1; Tangier disease. Last evaluated: 2022-02-23. Review status: criteria provided, single submitter. Criteria: NYGC Assertion Criteria 2020. Collection method: clinical testing. Allele origin: germline. Observed: 1 heterozygote.
Comment: The c.1390G>A (p.Val464Met) missense variant identified in the ABCA1 gene has not been reported in affected individuals in the literature or in the ClinVar database. The variant has 0.00009858 allele frequency in the gnomAD(v3) database (15 out of 152168 heterozygous alleles, no homozygotes) suggesting it is not a common benign variant in the populations represented in that database. The variant affects a weakly conserved residue located in the first extracellular loop of the ABCA1 protein [PMID: 18776170]. The variant is predicted benign by multiple in silico prediction tools (CADD score = 14.03, REVELscore = 0.095). Based on the available evidence, the heterozygous c.1390G>A (p.Val464Met) missense variant identified in the ABCA1 gene is reported as a Variant of Uncertain Significance.